The following is an entry in ClinVar:

ClinVar aggregate classification (germline): Uncertain significance. Review status: criteria provided, multiple submitters, no conflicts (2 of 4 stars). 4 submissions from 4 submitters: Uncertain significance (4). Last evaluated 2023-11-27.

Conditions:
Autosomal recessive ataxia, Beauce type. Also called: Spinocerebellar ataxia, autosomal recessive 8; SYNE1-Related Autosomal Recessive Cerebellar Ataxia; SYNE1 Deficiency; ATAXIA, RECESSIVE, OF BEAUCE. Identifiers: Orphanet 88644, MedGen C1853116, MONDO:0012549, OMIM 610743.
Emery-Dreifuss muscular dystrophy 4, autosomal dominant (EDMD4). Also called: EMERY-DREIFUSS MUSCULAR DYSTROPHY 4 WITH VARIABLE FEATURES. Identifiers: Orphanet 261, MedGen C2751807, MONDO:0013071, OMIM 612998.

Allele frequency attached by ClinVar (database versions not stated): TOPMed 0.00009.
gnomAD v4.1: 87 of 1,614,162 alleles (0.0054%); highest among the groups gnomAD compares: Admixed American, 0.12%; 1 homozygote.

Submissions (4):

Labcorp Genetics (formerly Invitae), Labcorp
Classification: Uncertain significance for Emery-Dreifuss muscular dystrophy 4, autosomal dominant; Autosomal recessive ataxia, Beauce type. Last evaluated: 2023-11-27. Review status: criteria provided, single submitter. Criteria: Invitae Variant Classification Sherloc (09022015). Collection method: clinical testing. Allele origin: germline.
Comment: This sequence change replaces threonine, which is neutral and polar, with methionine, which is neutral and non-polar, at codon 8743 of the SYNE1 protein (p.Thr8743Met). This variant is present in population databases (rs567376316, gnomAD 0.2%). This variant has not been reported in the literature in individuals affected with SYNE1-related conditions. ClinVar contains an entry for this variant (Variation ID: 502164). An algorithm developed to predict the effect of missense changes on protein structure and function (PolyPhen-2) suggests that this variant¬†is likely to be tolerated. In summary, the available evidence is currently insufficient to determine the role of this variant in disease. Therefore, it has been classified as a Variant of Uncertain Significance.

Revvity Omics, Revvity
Classification: Uncertain significance. Last evaluated: 2019-09-06. Review status: criteria provided, single submitter. Criteria: ACMG Guidelines, 2015. Collection method: clinical testing. Allele origin: germline.

Fulgent Genetics
Classification: Uncertain significance for Autosomal recessive ataxia, Beauce type; Emery-Dreifuss muscular dystrophy 4, autosomal dominant. Last evaluated: 2018-10-31. Review status: criteria provided, single submitter. Criteria: ACMG Guidelines, 2015. Collection method: clinical testing. Allele origin: unknown.

Eurofins Ntd Llc (ga)
Classification: Uncertain significance. Last evaluated: 2017-05-23. Review status: criteria provided, single submitter. Criteria: EGL Classification Definitions 2015. Collection method: clinical testing. Allele origin: germline. Observed: 1 variant allele, 1 heterozygote.

NM_182961.4(SYNE1):c.26372C>T (p.Thr8791Met)

Genes: SYNE1 (spectrin repeat containing nuclear envelope protein 1; minus strand), ESR1 (estrogen receptor 1; plus strand). Cytogenetic location: 6q25.2.
Variant type: single nucleotide variant.
Coding change: c.26372C>T on transcript NM_182961.4 (MANE Select); coding-DNA position 26372, C replaced by T.
Protein change: p.Thr8791Met; replaces threonine 8791 with methionine.
Molecular consequence: missense variant. On other transcripts: intron variant (1), 3 prime UTR variant (1).
Genome position (GRCh38, 1-based): chr6:152,122,458, G>A on the plus strand (C>T on the coding strand, the complement: SYNE1 is on the minus strand). VCF-style: chr6-152122458-G-A. GRCh37 (hg19) VCF-style: chr6-152443593-G-A.
Other names: c.851-2808G>A (NM_001328100.2); c.*183C>T (NM_001347701.2); c.2906C>T, p.Thr969Met (NM_001347702.2); c.26228C>T, p.Thr8743Met (NM_033071.5); short protein forms T8743M, T8791M, T969M.
Identifiers: ClinVar variation 502164 (VCV000502164.14), dbSNP rs567376316, ClinGen allele CA4052577.